The following is an entry in ClinVar:

NM_000422.3(KRT17):c.64G>A (p.Gly22Ser)

Gene: KRT17 (keratin 17; minus strand). Cytogenetic location: 17q21.2.
Variant type: single nucleotide variant.
Coding change: c.64G>A on transcript NM_000422.3 (MANE Select); coding-DNA position 64, G replaced by A.
Protein change: p.Gly22Ser; replaces glycine 22 with serine.
Molecular consequence: missense variant.
Genome position (GRCh38, 1-based): chr17:41,624,446, C>T on the plus strand (G>A on the coding strand, the complement: KRT17 is on the minus strand). VCF-style: chr17-41624446-C-T. GRCh37 (hg19) VCF-style: chr17-39780698-C-T.
Other names: short protein forms G22S.
Identifiers: ClinVar variation 4681891 (VCV004681891.5).

ClinVar aggregate classification (germline): Uncertain significance (1 of 4 stars; one submission).

Submission:

CeGaT Center for Human Genetics Tuebingen
Classification: Uncertain significance. Last evaluated: 2025-12-01. Review status: criteria provided, single submitter. Criteria: CeGaT Center For Human Genetics Tuebingen Variant Classification Criteria Version 2. Collection method: clinical testing. Allele origin: germline. Affected: yes. Observed: 1 variant allele.
Comment: KRT17: PM2, BP4